The following is an entry in ClinVar:

NM_005618.4(DLL1):c.169C>T (p.Arg57Trp)

Gene: DLL1 (delta like canonical Notch ligand 1; minus strand). Cytogenetic location: 6q27.
Variant type: single nucleotide variant.
Coding change: c.169C>T on transcript NM_005618.4 (MANE Select); coding-DNA position 169, C replaced by T.
Protein change: p.Arg57Trp; replaces arginine 57 with tryptophan.
Molecular consequence: missense variant.
Genome position (GRCh38, 1-based): chr6:170,289,694, G>A on the plus strand (C>T on the coding strand, the complement: DLL1 is on the minus strand). VCF-style: chr6-170289694-G-A. GRCh37 (hg19) VCF-style: chr6-170598782-G-A.
Other names: short protein forms R57W.
Identifiers: ClinVar variation 2117322 (VCV002117322.4), dbSNP rs1343300013, ClinGen allele CA366510191.

ClinVar aggregate classification (germline): Uncertain significance (1 of 4 stars; one submission).

Submission:

Labcorp Genetics (formerly Invitae), Labcorp
Classification: Uncertain significance. Last evaluated: 2025-09-02. Review status: criteria provided, single submitter. Criteria: Invitae Variant Classification Sherloc (09022015). Collection method: clinical testing. Allele origin: germline.
Comment: This sequence change replaces arginine, which is basic and polar, with tryptophan, which is neutral and slightly polar, at codon 57 of the DLL1 protein (p.Arg57Trp). This variant is not present in population databases (gnomAD no frequency). This variant has not been reported in the literature in individuals affected with DLL1-related conditions. ClinVar contains an entry for this variant (Variation ID: 2117322). An algorithm developed to predict the effect of missense changes on protein structure and function (PolyPhen-2) suggests that this variant is likely to be disruptive. In summary, the available evidence is currently insufficient to determine the role of this variant in disease. Therefore, it has been classified as a Variant of Uncertain Significance.